The following is an entry in ClinVar:

ClinVar aggregate classification (germline): Benign/Likely benign. Review status: criteria provided, multiple submitters, no conflicts (2 of 4 stars). 6 submissions from 6 submitters: Benign (1); Likely benign (5). Last evaluated 2026-02-02.

Conditions:
Cardiovascular phenotype. Identifiers: MedGen CN230736.
RASopathy. Also called: rasopathies; Noonan spectrum disorder. Identifiers: Orphanet 536391, MedGen C5555857, MONDO:0021060.

Allele frequency attached by ClinVar (database versions not stated): gnomAD exomes 0.00002 and 0.00005; gnomAD 0.00003; TOPMed 0.00005; ExAC 0.00008; ESP Exome Variant Server 0.00008; 1000 Genomes Project 30x 0.00016; 1000 Genomes Project 0.00020.
gnomAD v4.1: 34 of 1,569,216 alleles (0.0022%); highest among the groups gnomAD compares: Middle Eastern, 0.017%; no homozygotes.

Submissions (6):

Labcorp Genetics (formerly Invitae), Labcorp
Classification: Likely benign for RASopathy. Last evaluated: 2026-02-02. Review status: criteria provided, single submitter. Criteria: Invitae Variant Classification Sherloc (09022015). Collection method: clinical testing. Allele origin: germline.

Ambry Genetics
Classification: Likely benign for Cardiovascular phenotype. Last evaluated: 2022-05-24. Review status: criteria provided, single submitter. Criteria: Ambry Variant Classification Scheme 2023. Collection method: clinical testing. Allele origin: germline.

Blueprint Genetics
Classification: Likely benign. Last evaluated: 2018-11-06. Review status: criteria provided, single submitter. Criteria: ACMG Guidelines, 2015. Collection method: clinical testing. Allele origin: germline.

Women's Health and Genetics/Laboratory Corporation of America, LabCorp
Classification: Likely benign. Last evaluated: 2017-12-26. Review status: criteria provided, single submitter. Criteria: LabCorp Variant Classification Summary - May 2015. Collection method: clinical testing. Allele origin: germline.
Comment: Variant summary: The MAP2K2 c.1065G>A (p.Ala355Ala) variant involves the alteration of a non-conserved nucleotide, resulting in a synonymous change. One in silico tool predicts a damaging outcome for this variant. 4/5 splice prediction tools predict no significant impact on normal splicing. ESE finder predicts that this variant may affect multiple ESE sites. However, these predictions have yet to be confirmed by functional studies. This variant was found in 11/206312 control chromosomes at a frequency of 0.0000533, which is approximately 21 times the estimated maximal expected allele frequency of a pathogenic MAP2K2 variant (0.0000025), suggesting this variant is likely a benign polymorphism. In addition, multiple clinical diagnostic laboratories/reputable databases classified this variant as likely benign. The variant of interest has not, to our knowledge, been reported in affected individuals via publications and/or reputable databases/clinical diagnostic laboratories; nor evaluated for functional impact by in vivo/vitro studies. Taken together, this variant is classified as likely benign.

GeneDx
Classification: Benign. Last evaluated: 2017-07-18. Review status: criteria provided, single submitter. Criteria: GeneDx Variant Classification (06012015). Collection method: clinical testing. Allele origin: germline. Affected: yes.
Comment: This variant is considered likely benign or benign based on one or more of the following criteria: it is a conservative change, it occurs at a poorly conserved position in the protein, it is predicted to be benign by multiple in silico algorithms, and/or has population frequency not consistent with disease.

Laboratory for Molecular Medicine, Mass General Brigham Personalized Medicine
Classification: Likely benign. Last evaluated: 2016-06-09. Review status: criteria provided, single submitter. Criteria: LMM Criteria. Collection method: clinical testing. Allele origin: germline. Observed: 2 variant alleles.
Comment: p.Ala355Ala in exon 10 of MAP2K2: This variant is not expected to have clinical significance because it does not alter an amino acid residue and is not located within the splice consensus sequence. This variant has been identified in 2/3192 of African chromosomes by the Exome Aggregation Consortium (ExAC; dbSNP rs374807671).

NM_030662.4(MAP2K2):c.1065G>A (p.Ala355=)

Gene: MAP2K2 (mitogen-activated protein kinase kinase 2; minus strand). Cytogenetic location: 19p13.3.
Variant type: single nucleotide variant.
Coding change: c.1065G>A on transcript NM_030662.4 (MANE Select); coding-DNA position 1065, G replaced by A.
Protein change: p.Ala355=; no amino-acid change (alanine 355 retained).
Molecular consequence: synonymous variant.
Genome position (GRCh38, 1-based): chr19:4,094,480, C>T on the plus strand (G>A on the coding strand, the complement: MAP2K2 is on the minus strand). VCF-style: chr19-4094480-C-T. GRCh37 (hg19) VCF-style: chr19-4094478-C-T.
Identifiers: ClinVar variation 46227 (VCV000046227.19), dbSNP rs374807671, ClinGen allele CA137909.
Genomic context (GRCh38, chr19:4,094,480, plus strand): 5'-CTCCCGGTCCCAGAACCCGCTGGCATCACTCACTGTGAGCATCTTCAGGTCCGCCCGCTC[C>T]GCTGGGTTCTTGATGAGGCTGGGGGTTCCAAGAGGCAGGACCGGGAGGCGGTGGAGGAGA-3'
Protein context (NP_109587.1, residues 345-365): FVNKCLIKNP[Ala355=]ERADLKMLTN